The following is an entry in ClinVar:

ClinVar aggregate classification (germline): Likely benign (1 of 4 stars; one submission).

Submission:

CeGaT Center for Human Genetics Tuebingen
Classification: Likely benign. Last evaluated: 2024-02-01. Review status: criteria provided, single submitter. Criteria: CeGaT Center For Human Genetics Tuebingen Variant Classification Criteria Version 2. Collection method: clinical testing. Allele origin: germline. Affected: yes. Observed: 1 variant allele.
Comment: FLG: BP4, BP7

NM_002016.2(FLG):c.8442C>T (p.Ser2814=)

Genes: CCDST (cervical cancer associated DHX9 suppressive transcript; plus strand), FLG (filaggrin; minus strand). Cytogenetic location: 1q21.3.
Variant type: single nucleotide variant.
Coding change: c.8442C>T on transcript NM_002016.2 (MANE Select); coding-DNA position 8442, C replaced by T.
Protein change: p.Ser2814=; no amino-acid change (serine 2814 retained).
Molecular consequence: synonymous variant.
Genome position (GRCh38, 1-based): chr1:152,306,444, G>A on the plus strand (C>T on the coding strand, the complement: FLG is on the minus strand). VCF-style: chr1-152306444-G-A. GRCh37 (hg19) VCF-style: chr1-152278920-G-A.
Identifiers: ClinVar variation 3025143 (VCV003025143.22), dbSNP rs767904493, ClinGen allele CA1104240.
Genomic context (GRCh38, chr1:152,306,444, plus strand): 5'-GGATCCTGACTGCCCACGGGAGGCATCAGACCTTCCCTGGGATGTGGTGTGGCTGTGATG[G>A]GACCCTGAGTGTCCAGAGCTATCTACCGAATGCTCGTGGTGGTACCCCTGCCTTCCTCCT-3'
Protein context (NP_002007.1, residues 2804-2824): HSVDSSGHSG[Ser2814=]HHSHTTSQGR